The following is an entry in ClinVar:

ClinVar aggregate classification (germline): Pathogenic (1 of 4 stars; one submission).

Conditions:
Congenital lactic acidosis, Saguenay-Lac-Saint-Jean type (MC4DN5). Also called: CYTOCHROME c OXIDASE DEFICIENCY, FRENCH CANADIAN TYPE; COX DEFICIENCY, FRENCH CANADIAN TYPE; MITOCHONDRIAL COMPLEX IV DEFICIENCY, NUCLEAR TYPE 5. Identifiers: Orphanet 70472, MedGen C1857355, MONDO:0009069, OMIM 220111.

Submission:

Myriad Genetics, Inc.
Classification: Pathogenic for Congenital lactic acidosis, Saguenay-Lac-Saint-Jean type. Last evaluated: 2025-08-01. Review status: criteria provided, single submitter. Criteria: Myriad Autosomal Dominant, Autosomal Recessive and X-Linked Classification Criteria (2023). Collection method: clinical testing. Allele origin: unknown.
Comment: NM_133259.3(LRPPRC):c.2325delA(E776Rfs*18) is expected to be pathogenic in the context of Leigh syndrome, French-Canadian type. This variant is predicted to lead to an abnormal or absent protein product due to the creation of a premature termination codon in LRPPRC, a gene where loss-of-function variants are known to be pathogenic. Please note: this variant was assessed in the context of healthy population screening.

NM_133259.4(LRPPRC):c.2325del (p.Glu776fs)

Gene: LRPPRC (leucine rich pentatricopeptide repeat containing; minus strand). Cytogenetic location: 2p21.
Variant type: Deletion.
Coding change: c.2325del on transcript NM_133259.4 (MANE Select); coding-DNA position 2325, one base deleted (A; older notation c.2325delA).
Protein change: p.Glu776fs; shifts the reading frame from glutamic acid 776.
Molecular consequence: frameshift variant.
Genome position (GRCh38, 1-based): chr2:43,943,866, T deleted on the plus strand (A on the coding strand, the reverse complement: LRPPRC is on the minus strand); the first of 3 consecutive T bases (chr2:43,943,866-43,943,868); deleting any one gives the same sequence. VCF-style (leftmost placement, unchanged base first): chr2-43943865-CT-C. GRCh37 (hg19) VCF-style: chr2-44171004-CT-C.
Other names: short protein forms E776fs.
Identifiers: ClinVar variation 5014802 (VCV005014802.1).